The following is an entry in ClinVar:

ClinVar aggregate classification (germline): Uncertain significance (1 of 4 stars; one submission).

Conditions:
Charcot-Marie-Tooth disease type 2. Also called: Charcot-Marie-Tooth type 2. Identifiers: Orphanet 64746, MedGen C0270914, MONDO:0018993.

Submission:

Labcorp Genetics (formerly Invitae), Labcorp
Classification: Uncertain significance for Charcot-Marie-Tooth disease type 2. Last evaluated: 2023-04-12. Review status: criteria provided, single submitter. Criteria: Invitae Variant Classification Sherloc (09022015). Collection method: clinical testing. Allele origin: germline.
Comment: Advanced modeling of protein sequence and biophysical properties (such as structural, functional, and spatial information, amino acid conservation, physicochemical variation, residue mobility, and thermodynamic stability) has been performed at Invitae for this missense variant, however the output from this modeling did not meet the statistical confidence thresholds required to predict the impact of this variant on GARS protein function. This variant has not been reported in the literature in individuals affected with GARS-related conditions. This variant is present in population databases (no rsID available, gnomAD 0.0009%). This sequence change replaces proline, which is neutral and non-polar, with arginine, which is basic and polar, at codon 363 of the GARS protein (p.Pro363Arg). In summary, the available evidence is currently insufficient to determine the role of this variant in disease. Therefore, it has been classified as a Variant of Uncertain Significance.

NM_002047.4(GARS1):c.1088C>G (p.Pro363Arg)

Gene: GARS1 (glycyl-tRNA synthetase 1; plus strand). Cytogenetic location: 7p14.3.
Variant type: single nucleotide variant.
Coding change: c.1088C>G on transcript NM_002047.4 (MANE Select); coding-DNA position 1088, C replaced by G.
Protein change: p.Pro363Arg; replaces proline 363 with arginine.
Molecular consequence: missense variant.
Genome position (GRCh38, 1-based): chr7:30,615,952, C>G. VCF-style: chr7-30615952-C-G. GRCh37 (hg19) VCF-style: chr7-30655568-C-G.
Other names: c.926C>G, p.Pro309Arg (NM_001316772.1); short protein forms P309R, P363R.
Identifiers: ClinVar variation 2784913 (VCV002784913.3), dbSNP rs1291330442, ClinGen allele CA367126089.